The following is an entry in ClinVar:

NM_000535.7(PMS2):c.657A>G (p.Gly219=)

Gene: PMS2 (PMS1 homolog 2, mismatch repair system component; minus strand). Cytogenetic location: 7p22.1.
Variant type: single nucleotide variant.
Coding change: c.657A>G on transcript NM_000535.7 (MANE Select); coding-DNA position 657, A replaced by G.
Protein change: p.Gly219=; no amino-acid change (glycine 219 retained).
Molecular consequence: synonymous variant. On other transcripts: 5 prime UTR variant (2), non-coding transcript variant (1), intron variant (9).
Genome position (GRCh38, 1-based): chr7:5,999,156, T>C on the plus strand (A>G on the coding strand, the complement: PMS2 is on the minus strand). VCF-style: chr7-5999156-T-C. GRCh37 (hg19) VCF-style: chr7-6038787-T-C.
Other names: c.252A>G, p.Gly84= (NM_001018040.1, NM_001322003.2, NM_001322004.2 and 20 more transcripts); c.657A>G, p.Gly219= (NM_001322006.2, NM_001322014.2, NM_001406870.1 and 4 more transcripts); c.339A>G, p.Gly113= (NM_001322007.2, NM_001322008.2, NM_001406876.1 and 4 more transcripts); c.-277A>G (NM_001322011.2, NM_001322012.2); c.348A>G, p.Gly116= (NM_001322015.2, NM_001406875.1, NM_001406877.1 and 6 more transcripts); c.843A>G, p.Gly281= (NM_001406866.1); c.681A>G, p.Gly227= (NM_001406868.1); c.321A>G, p.Gly107= (NM_001406885.1); and 6 more.
Identifiers: ClinVar variation 3232032 (VCV003232032.1), dbSNP rs2128800021, ClinGen allele CA453646830.

ClinVar aggregate classification (germline): Uncertain significance (1 of 4 stars; one submission).

Conditions:
Hereditary cancer-predisposing syndrome. Also called: Neoplastic Syndromes, Hereditary; Tumor predisposition; Hereditary neoplastic syndrome; Hereditary Cancer Syndrome. Identifiers: Orphanet 140162, MedGen C0027672, MeSH D009386, MONDO:0015356.

Submission:

Ambry Genetics
Classification: Uncertain significance for Hereditary cancer-predisposing syndrome. Last evaluated: 2024-01-18. Review status: criteria provided, single submitter. Criteria: Ambry Variant Classification Scheme 2023. Collection method: clinical testing. Allele origin: germline.
Comment: The c.657A>G variant (also known as p.G219G), located in coding exon 6 of the PMS2 gene, results from an A to G substitution at nucleotide position 657. This nucleotide substitution does not change the glycine at codon 219. This nucleotide position is not well conserved in available vertebrate species. In silico splice site analysis predicts that this alteration may weaken the native splice donor site and will result in the creation or strengthening of a novel splice donor site. Based on the available evidence, the clinical significance of this alteration remains unclear.